The following is an entry in ClinVar:

ClinVar aggregate classification (germline): Uncertain significance (1 of 4 stars; one submission).

Conditions:
Rubinstein-Taybi syndrome due to EP300 haploinsufficiency. Also called: EP300-Related Rubinstein-Taybi Syndrome; RUBINSTEIN-TAYBI SYNDROME 2. Identifiers: Orphanet 353284, Orphanet 783, MedGen C3150941, MONDO:0013364, OMIM 613684.

Allele frequency attached by ClinVar (database versions not stated): gnomAD exomes below 0.00001; gnomAD 0.00001.
gnomAD v4.1: 4 of 1,613,938 alleles (0.00025%); highest among the groups gnomAD compares: Non-Finnish European, 0.00025%; no homozygotes.

Submission:

Labcorp Genetics (formerly Invitae), Labcorp
Classification: Uncertain significance for Rubinstein-Taybi syndrome due to EP300 haploinsufficiency. Last evaluated: 2022-04-10. Review status: criteria provided, single submitter. Criteria: Invitae Variant Classification Sherloc (09022015). Collection method: clinical testing. Allele origin: germline.
Comment: This sequence change replaces arginine, which is basic and polar, with glycine, which is neutral and non-polar, at codon 2330 of the EP300 protein (p.Arg2330Gly). This variant is not present in population databases (gnomAD no frequency). In summary, the available evidence is currently insufficient to determine the role of this variant in disease. Therefore, it has been classified as a Variant of Uncertain Significance. Advanced modeling of protein sequence and biophysical properties (such as structural, functional, and spatial information, amino acid conservation, physicochemical variation, residue mobility, and thermodynamic stability) performed at Invitae indicates that this missense variant is not expected to disrupt EP300 protein function. This variant has not been reported in the literature in individuals affected with EP300-related conditions.

NM_001429.4(EP300):c.6988A>G (p.Arg2330Gly)

Gene: EP300 (EP300 lysine acetyltransferase; plus strand). Cytogenetic location: 22q13.2.
Variant type: single nucleotide variant.
Coding change: c.6988A>G on transcript NM_001429.4 (MANE Select); coding-DNA position 6988, A replaced by G.
Protein change: p.Arg2330Gly; replaces arginine 2330 with glycine.
Molecular consequence: missense variant.
Genome position (GRCh38, 1-based): chr22:41,178,699, A>G. VCF-style: chr22-41178699-A-G. GRCh37 (hg19) VCF-style: chr22-41574703-A-G.
Other names: c.6910A>G, p.Arg2304Gly (NM_001362843.2); short protein forms R2304G, R2330G.
Identifiers: ClinVar variation 2124413 (VCV002124413.4), dbSNP rs2059219435, ClinGen allele CA411683809.